The following is an entry in ClinVar:

ClinVar aggregate classification (germline): Conflicting classifications of pathogenicity. Review status: criteria provided, conflicting classifications (1 of 4 stars). 5 submissions from 5 submitters: Uncertain significance (2); Benign (1); Likely benign (2). Last evaluated 2026-03-04.

Conditions:
ZNF469-related disorder. Also called: ZNF469-related condition.
Cardiovascular phenotype. Identifiers: MedGen CN230736.

Allele frequency attached by ClinVar (database versions not stated): TOPMed 0.00006.
gnomAD v4.1: 88 of 1,545,616 alleles (0.0057%); highest among the groups gnomAD compares: Admixed American, 0.0039%; 1 homozygote.

Submissions (5):

Women's Health and Genetics/Laboratory Corporation of America, LabCorp
Classification: Uncertain significance. Last evaluated: 2026-03-04. Review status: criteria provided, single submitter. Criteria: LabCorp Variant Classification Summary - May 2015. Collection method: clinical testing. Allele origin: germline.
Comment: Variant summary: ZNF469 c.10331G>T (p.Gly3444Val) results in a non-conservative amino acid change in the encoded protein sequence. Algorithms developed to predict the effect of missense changes on protein structure and function are either unavailable or do not agree on the potential impact of this missense change. The variant allele was found at a frequency of 0.0002 in 144274 control chromosomes. This frequency is not significantly higher than estimated for disease-causing variants in ZNF469, allowing no conclusion about variant significance. To our knowledge, no occurrence of c.10331G>T in individuals affected with ZNF469-related conditions and no experimental evidence demonstrating its impact on protein function have been reported. ClinVar contains an entry for this variant (Variation ID: 321015). Based on the evidence outlined above, the variant was classified as uncertain significance.

Labcorp Genetics (formerly Invitae), Labcorp
Classification: Likely benign. Last evaluated: 2025-12-30. Review status: criteria provided, single submitter. Criteria: Invitae Variant Classification Sherloc (09022015). Collection method: clinical testing. Allele origin: germline.

PreventionGenetics, part of Exact Sciences
Classification: Likely benign for ZNF469-related condition. Last evaluated: 2024-12-02. Review status: criteria provided, single submitter. Criteria: ACMG Guidelines, 2015. Collection method: clinical testing. Allele origin: germline.
Comment: This variant is classified as likely benign based on ACMG/AMP sequence variant interpretation guidelines (Richards et al. 2015 PMID: 25741868, with internal and published modifications).

Ambry Genetics
Classification: Benign for Cardiovascular phenotype. Last evaluated: 2020-11-23. Review status: criteria provided, single submitter. Criteria: Ambry Variant Classification Scheme 2023. Collection method: clinical testing. Allele origin: germline.

GeneDx
Classification: Uncertain significance. Last evaluated: 2020-09-04. Review status: criteria provided, single submitter. Criteria: GeneDx Variant Classification Process June 2021. Collection method: clinical testing. Allele origin: germline. Affected: yes.
Comment: In silico analysis supports that this missense variant has a deleterious effect on protein structure/function; Has not been previously published as pathogenic or benign to our knowledge

NM_001367624.2(ZNF469):c.10331G>T (p.Gly3444Val)

Gene: ZNF469 (zinc finger protein 469; plus strand). Cytogenetic location: 16q24.2.
Variant type: single nucleotide variant.
Coding change: c.10331G>T on transcript NM_001367624.2 (MANE Select); coding-DNA position 10331, G replaced by T.
Protein change: p.Gly3444Val; replaces glycine 3444 with valine.
Molecular consequence: missense variant.
Genome position (GRCh38, 1-based): chr16:88,437,801, G>T. VCF-style: chr16-88437801-G-T. GRCh37 (hg19) VCF-style: chr16-88504209-G-T.
Other names: NM_001127464.1:c.10247G>T; NM_001127464.2:c.10247G>T; short protein forms G3444V.
Identifiers: ClinVar variation 321015 (VCV000321015.18), dbSNP rs530393871, ClinGen allele CA8225504.